The following is an entry in ClinVar:

ClinVar aggregate classification (germline): Uncertain significance. Review status: criteria provided, multiple submitters, no conflicts (2 of 4 stars). 2 submissions from 2 submitters: Uncertain significance (2). Last evaluated 2024-02-08.

Conditions:
Hereditary cancer-predisposing syndrome. Also called: Hereditary neoplastic syndrome; Hereditary Cancer Syndrome; Tumor predisposition; Neoplastic Syndromes, Hereditary. Identifiers: Orphanet 140162, MedGen C0027672, MeSH D009386, MONDO:0015356.
Cardiovascular phenotype. Identifiers: MedGen CN230736.

Submissions (2):

Labcorp Genetics (formerly Invitae), Labcorp
Classification: Uncertain significance. Last evaluated: 2024-02-08. Review status: criteria provided, single submitter. Criteria: Invitae Variant Classification Sherloc (09022015). Collection method: clinical testing. Allele origin: germline.
Comment: This sequence change replaces valine, which is neutral and non-polar, with leucine, which is neutral and non-polar, at codon 541 of the LZTR1 protein (p.Val541Leu). This variant is not present in population databases (gnomAD no frequency). This variant has not been reported in the literature in individuals affected with LZTR1-related conditions. ClinVar contains an entry for this variant (Variation ID: 1521154). Advanced modeling of protein sequence and biophysical properties (such as structural, functional, and spatial information, amino acid conservation, physicochemical variation, residue mobility, and thermodynamic stability) performed at Invitae indicates that this missense variant is not expected to disrupt LZTR1 protein function with a negative predictive value of 80%. In summary, the available evidence is currently insufficient to determine the role of this variant in disease. Therefore, it has been classified as a Variant of Uncertain Significance.

Ambry Genetics
Classification: Uncertain significance for Cardiovascular phenotype; Hereditary cancer-predisposing syndrome. Last evaluated: 2022-12-04. Review status: criteria provided, single submitter. Criteria: Ambry Variant Classification Scheme 2023. Collection method: clinical testing. Allele origin: germline.
Comment: The p.V541L variant (also known as c.1621G>T), located in coding exon 15 of the LZTR1 gene, results from a G to T substitution at nucleotide position 1621. The valine at codon 541 is replaced by leucine, an amino acid with highly similar properties. This amino acid position is conserved. In addition, the in silico prediction for this alteration is inconclusive. Since supporting evidence is limited at this time, the clinical significance of this alteration remains unclear.

NM_006767.4(LZTR1):c.1621G>T (p.Val541Leu)

Gene: LZTR1 (leucine zipper like post translational regulator 1; plus strand). Cytogenetic location: 22q11.21.
Variant type: single nucleotide variant.
Coding change: c.1621G>T on transcript NM_006767.4 (MANE Select); coding-DNA position 1621, G replaced by T.
Protein change: p.Val541Leu; replaces valine 541 with leucine.
Molecular consequence: missense variant.
Genome position (GRCh38, 1-based): chr22:20,994,563, G>T. VCF-style: chr22-20994563-G-T. GRCh37 (hg19) VCF-style: chr22-21348852-G-T.
Other names: c.1621G>T (NM_006767.3); short protein forms V541L.
Identifiers: ClinVar variation 1521154 (VCV001521154.7), dbSNP rs1009167232, ClinGen allele CA410776473.
Genomic context (GRCh38, chr22:20,994,563, plus strand): 5'-TGTGCCCTGCCCTCCCCTCTCCGGCTCCCTGAGATTCGGGGGCTCTGGGGCGCAGGCCAT[G>T]TGGAGGATGTGCTGCTCATCATGGATGTGTACAAACTGGCACTGAGCTTCCAGTTGTGCC-3'
Protein context (NP_006758.2, residues 531-551): DKIKYPRKGH[Val541Leu]EDVLLIMDVY